The following is an entry in ClinVar:

ClinVar aggregate classification (germline): Uncertain significance (1 of 4 stars; one submission).

Submission:

Labcorp Genetics (formerly Invitae), Labcorp
Classification: Uncertain significance. Last evaluated: 2025-12-24. Review status: criteria provided, single submitter. Criteria: Invitae Variant Classification Sherloc (09022015). Collection method: clinical testing. Allele origin: germline.
Comment: This sequence change replaces histidine, which is basic and polar, with arginine, which is basic and polar, at codon 3161 of the KMT2A protein (p.His3161Arg). This variant is not present in population databases (gnomAD no frequency). This variant has not been reported in the literature in individuals affected with KMT2A-related conditions. Invitae Evidence Modeling of protein sequence and biophysical properties (such as structural, functional, and spatial information, amino acid conservation, physicochemical variation, residue mobility, and thermodynamic stability) has been performed for this missense variant. However, the output from this modeling did not meet the statistical confidence thresholds required to predict the impact of this variant on KMT2A protein function. In summary, the available evidence is currently insufficient to determine the role of this variant in disease. Therefore, it has been classified as a Variant of Uncertain Significance.

NM_001197104.2(KMT2A):c.9482A>G (p.His3161Arg)

Gene: KMT2A (lysine methyltransferase 2A; plus strand). Cytogenetic location: 11q23.3.
Variant type: single nucleotide variant.
Coding change: c.9482A>G on transcript NM_001197104.2 (MANE Select); coding-DNA position 9482, A replaced by G.
Protein change: p.His3161Arg; replaces histidine 3161 with arginine.
Molecular consequence: missense variant.
Genome position (GRCh38, 1-based): chr11:118,505,374, A>G. VCF-style: chr11-118505374-A-G. GRCh37 (hg19) VCF-style: chr11-118376089-A-G.
Other names: c.9572A>G, p.His3191Arg (NM_001412597.1); c.9473A>G, p.His3158Arg (NM_005933.4); short protein forms H3158R, H3161R, H3191R.
Identifiers: ClinVar variation 4800577 (VCV004800577.1).
Genomic context (GRCh38, chr11:118,505,374, plus strand): 5'-GCTTGCCAACTTCTCAATCTTTGTTCCCTTCTGCTAGCAAAGGATTGCTACCCATGTCTC[A>G]TCACCAGCACTTACATTCCTTCCCTGCAGCTACTCAAAGTAGTTTCCCACCAAACATCAG-3'
Protein context (NP_001184033.1, residues 3151-3171): SASKGLLPMS[His3161Arg]HQHLHSFPAA